The following is an entry in ClinVar:

ClinVar aggregate classification (germline): Uncertain significance (1 of 4 stars; one submission).

Submission:

Ambry Genetics
Classification: Uncertain significance. Last evaluated: 2023-12-13. Review status: criteria provided, single submitter. Criteria: Ambry Variant Classification Scheme 2023. Collection method: clinical testing. Allele origin: germline.
Comment: The c.305dupT variant, located in coding exon 3 of the RECQL gene, results from a duplication of T at nucleotide position 305, causing a translational frameshift with a predicted alternate stop codon (p.T103Nfs*63). This alteration is expected to result in loss of function by premature protein truncation or nonsense-mediated mRNA decay. The evidence for this gene-disease relationship is limited; therefore, the clinical significance of this alteration is unclear.

NM_002907.4(RECQL):c.305dup (p.Thr103fs)

Gene: RECQL (RecQ like helicase; minus strand). Cytogenetic location: 12p12.1.
Variant type: Duplication.
Coding change: c.305dup on transcript NM_002907.4 (MANE Select); coding-DNA position 305, one base duplicated (T; older notation c.305dupT).
Protein change: p.Thr103fs; shifts the reading frame from threonine 103.
Molecular consequence: frameshift variant.
Genome position (GRCh38, 1-based): chr12:21,490,288, A duplicated on the plus strand (T on the coding strand, the reverse complement: RECQL is on the minus strand). VCF-style (leftmost placement, unchanged base first): chr12-21490287-T-TA. GRCh37 (hg19) VCF-style: chr12-21643221-T-TA.
Other names: c.305dup, p.Thr103fs (NM_032941.3); short protein forms T103fs.
Identifiers: ClinVar variation 3222964 (VCV003222964.1), dbSNP rs2540399881, ClinGen allele CA2825002071.